The following is an entry in ClinVar:

NM_001127208.3(TET2):c.429T>G (p.Asp143Glu)

Genes: TET2 (tet methylcytosine dioxygenase 2; plus strand), TET2-AS1 (TET2 antisense RNA 1; minus strand). Cytogenetic location: 4q24.
Variant type: single nucleotide variant.
Coding change: c.429T>G on transcript NM_001127208.3 (MANE Select); coding-DNA position 429, T replaced by G.
Protein change: p.Asp143Glu; replaces aspartic acid 143 with glutamic acid.
Molecular consequence: missense variant.
Genome position (GRCh38, 1-based): chr4:105,234,371, T>G. VCF-style: chr4-105234371-T-G. GRCh37 (hg19) VCF-style: chr4-106155528-T-G.
Other names: c.429T>G, p.Asp143Glu (NM_017628.4); short protein forms D143E.
Identifiers: ClinVar variation 4594245 (VCV004594245.1).

ClinVar aggregate classification (germline): Uncertain significance (1 of 4 stars; one submission).

Submission:

Ambry Genetics
Classification: Uncertain significance. Last evaluated: 2025-12-10. Review status: criteria provided, single submitter. Criteria: Ambry Variant Classification Scheme 2023. Collection method: clinical testing. Allele origin: germline.
Comment: The p.D143E variant (also known as c.429T>G), located in coding exon 1 of the TET2 gene, results from a T to G substitution at nucleotide position 429. The aspartic acid at codon 143 is replaced by glutamic acid, an amino acid with highly similar properties. This amino acid position is conserved. In addition, this alteration is predicted to be tolerated by in silico analysis. Based on the available evidence, the clinical significance of this variant remains unclear.